The following is an entry in ClinVar:

ClinVar aggregate classification (germline): Uncertain significance (1 of 4 stars; one submission).

Submission:

Labcorp Genetics (formerly Invitae), Labcorp
Classification: Uncertain significance. Last evaluated: 2025-11-17. Review status: criteria provided, single submitter. Criteria: Invitae Variant Classification Sherloc (09022015). Collection method: clinical testing. Allele origin: germline.
Comment: This variant, c.1743_1745del, results in the deletion of 1 amino acid(s) of the LZTR1 protein (p.Val582del), but otherwise preserves the integrity of the reading frame. This variant is not present in population databases (gnomAD no frequency). This variant has not been reported in the literature in individuals affected with LZTR1-related conditions. Experimental studies and prediction algorithms are not available or were not evaluated, and the functional significance of this variant is currently unknown. In summary, the available evidence is currently insufficient to determine the role of this variant in disease. Therefore, it has been classified as a Variant of Uncertain Significance.

NM_006767.4(LZTR1):c.1743_1745del (p.Val582del)

Gene: LZTR1 (leucine zipper like post translational regulator 1; plus strand). Cytogenetic location: 22q11.21.
Variant type: Deletion.
Coding change: c.1743_1745del on transcript NM_006767.4 (MANE Select); coding-DNA positions 1743 to 1745, 3 bases deleted (TGT; older notation c.1743_1745delTGT).
Protein change: p.Val582del; deletes valine 582.
Molecular consequence: inframe deletion.
Genome position (GRCh38, 1-based): chr22:20,994,685-20,994,687, TGT deleted; deleting any 3 consecutive bases within chr22:20,994,683-20,994,687 gives the same sequence; the c. name uses the placement nearest the transcript's 3' end. VCF-style (leftmost placement, unchanged base first): chr22-20994682-GGTT-G. GRCh37 (hg19) VCF-style: chr22-21348971-GGTT-G.
Other names: short protein forms V582del.
Identifiers: ClinVar variation 4714424 (VCV004714424.1).
Genomic context (GRCh38, chr22:20,994,682, plus strand): 5'-CCGCCTGGAGCAGCTGTGCCGCCAGTACATCGAGGCCTCCGTGGACCTGCAGAACGTGCT[GGTT>G]GTGTGCGAGAGTGCCGCCCGGCTGCAGCTGAGCCAACTCAAGGTGTGGGGTGGGGTCAGC-3'